The following is an entry in ClinVar:

ClinVar aggregate classification (germline): Conflicting classifications of pathogenicity. Review status: criteria provided, conflicting classifications (1 of 4 stars). 14 submissions from 14 submitters: Uncertain significance (8); Likely benign (1). 5 of the submissions do not count toward it. Last evaluated 2026-01-20.

Conditions:
NEXN-related disorder. Also called: NEXN-related disorders; NEXN-related condition.
Cardiovascular phenotype. Identifiers: MedGen CN230736.
Dilated cardiomyopathy 1CC (CMD1CC). Identifiers: Orphanet 154, MedGen C2751084, MONDO:0013147, OMIM 613122.
Hypertrophic cardiomyopathy 20. Identifiers: MedGen C3151267, MONDO:0013477, OMIM 613876.
Cardiomyopathy (CMYO). Also called: Cardiomyopathies. Identifiers: Orphanet 167848, MedGen C0878544, MONDO:0004994, HP:0001638. Inheritance: Various modes of inheritance.
Primary dilated cardiomyopathy (DCM). Also called: Dilated Cardiomyopathy. Identifiers: Orphanet 217604, MedGen C0007193, MeSH D002311, MONDO:0005021, HP:0001644. Inheritance: Various modes of inheritance.

Allele frequency attached by ClinVar (database versions not stated): ExAC 0.00005; gnomAD exomes 0.00005; TOPMed 0.00005; gnomAD 0.00006; ESP Exome Variant Server 0.00017.
gnomAD v4.1: 79 of 1,613,110 alleles (0.0049%); highest among the groups gnomAD compares: Non-Finnish European, 0.0063%; no homozygotes.

Submissions (14):

PreventionGenetics, part of Exact Sciences
Classification: Uncertain significance for NEXN-related condition. Last evaluated: 2026-01-20. Review status: criteria provided, single submitter. Criteria: ACMG Guidelines, 2015. Collection method: clinical testing. Allele origin: germline.
Comment: The NEXN c.1453G>A variant is predicted to result in the amino acid substitution p.Glu485Lys. This variant has been reported in patients with hypertrophic cardiomyopathy (Table S1B, Walsh et al. 2017. PubMed ID: 27532257; Cowan et al. 2018. PubMed ID: 30012837; Online Supplementary File 2, van Lint et al. 2019. PubMed ID: 30847666). This variant is reported in 0.0094% of alleles in individuals of European (Non-Finnish) descent in gnomAD and is interpreted as uncertain in ClinVar (Variation ID: 47891). At this time, the clinical significance of this variant is uncertain due to the absence of conclusive functional and genetic evidence.

Labcorp Genetics (formerly Invitae), Labcorp
Classification: Uncertain significance for Dilated cardiomyopathy 1CC; Hypertrophic cardiomyopathy 20. Last evaluated: 2026-01-06. Review status: criteria provided, single submitter. Criteria: Invitae Variant Classification Sherloc (09022015). Collection method: clinical testing. Allele origin: germline.
Comment: This sequence change replaces glutamic acid, which is acidic and polar, with lysine, which is basic and polar, at codon 485 of the NEXN protein (p.Glu485Lys). This variant is present in population databases (rs368812830, gnomAD 0.01%). This missense change has been observed in individual(s) with hypertrophic cardiomyopathy (PMID: 27532257). ClinVar contains an entry for this variant (Variation ID: 47891). Invitae Evidence Modeling of protein sequence and biophysical properties (such as structural, functional, and spatial information, amino acid conservation, physicochemical variation, residue mobility, and thermodynamic stability) has been performed for this missense variant. However, the output from this modeling did not meet the statistical confidence thresholds required to predict the impact of this variant on NEXN protein function. In summary, the available evidence is currently insufficient to determine the role of this variant in disease. Therefore, it has been classified as a Variant of Uncertain Significance.

Molecular Diagnostic Laboratory for Inherited Cardiovascular Disease, Montreal Heart Institute
Classification: Uncertain significance for Cardiovascular phenotype. Last evaluated: 2025-04-09. Review status: criteria provided, single submitter. Criteria: ACMG Guidelines, 2015. Collection method: clinical testing. Allele origin: germline. Affected: yes.

Blueprint Genetics
Classification: Likely benign. Last evaluated: 2024-07-25. Review status: criteria provided, single submitter. Criteria: ACMG Guidelines, 2015. Collection method: clinical testing. Allele origin: germline.

Fulgent Genetics
Classification: Uncertain significance for Dilated cardiomyopathy 1CC; Hypertrophic cardiomyopathy 20. Last evaluated: 2022-05-12. Review status: criteria provided, single submitter. Criteria: ACMG Guidelines, 2015. Collection method: clinical testing. Allele origin: unknown.

Ambry Genetics
Classification: Uncertain significance for Cardiovascular phenotype. Last evaluated: 2022-02-20. Review status: criteria provided, single submitter. Criteria: Ambry Variant Classification Scheme 2023. Collection method: clinical testing. Allele origin: germline.

CHEO Genetics Diagnostic Laboratory, Children's Hospital of Eastern Ontario
Classification: Uncertain significance for Cardiomyopathy. Last evaluated: 2020-09-10. Review status: criteria provided, single submitter. Criteria: ACMG Guidelines, 2015. Collection method: clinical testing. Allele origin: germline.

CeGaT Center for Human Genetics Tuebingen
Classification: Uncertain significance. Last evaluated: 2016-10-01. Review status: criteria provided, single submitter. Criteria: CeGaT Center For Human Genetics Tuebingen Variant Classification Criteria Version 2. Collection method: clinical testing. Allele origin: germline. Affected: yes. Observed: 1 variant allele.

Laboratory for Molecular Medicine, Mass General Brigham Personalized Medicine
Classification: Uncertain significance. Last evaluated: 2014-02-13. Review status: criteria provided, single submitter. Criteria: LMM Criteria. Collection method: clinical testing. Allele origin: germline. Observed: 2 variant alleles.
Comment: This variant h as also been observed in 2/6536 European American chromosomes in a broad and not well clinically characterized population by the NHLBI Exome Sequencing Project. Computational analyses (biochemical amino ac id properties, conservation, AlignGVGD, PolyPhen2, and SIFT) suggest that the Gl u485Lys variant may impact the protein, though this information is not predictiv e enough to determine pathogenicity. In summary, additional data is needed to f ully assess the clinical significance of the Glu485Lys variant.

Clinical Genetics, Academic Medical Center
Classification: Uncertain significance. Review status: no assertion criteria provided. Collection method: clinical testing. Allele origin: germline. Affected: yes. Study: VKGL Data-share Consensus. Not counted in ClinVar's aggregate classification.

Diagnostic Laboratory, Department of Genetics, University Medical Center Groningen
Classification: Uncertain significance. Review status: no assertion criteria provided. Collection method: clinical testing. Allele origin: germline. Affected: yes. Study: VKGL Data-share Consensus. Not counted in ClinVar's aggregate classification.

Genome Diagnostics Laboratory, University Medical Center Utrecht
Classification: Uncertain significance. Review status: no assertion criteria provided. Collection method: clinical testing. Allele origin: germline. Affected: yes. Study: VKGL Data-share Consensus. Not counted in ClinVar's aggregate classification.

Joint Genome Diagnostic Labs from Nijmegen and Maastricht, Radboudumc and MUMC+
Classification: Uncertain significance. Review status: no assertion criteria provided. Collection method: clinical testing. Allele origin: germline. Affected: yes. Study: VKGL Data-share Consensus. Not counted in ClinVar's aggregate classification.

University of Washington Center for Mendelian Genomics, University of Washington
Classification: Uncertain significance for Dilated Cardiomyopathy. Review status: no assertion criteria provided. Collection method: research. Allele origin: inherited. Affected: yes. Not counted in ClinVar's aggregate classification.

Literature cited by the submitters: PubMed 27532257 (cited by Labcorp Genetics (formerly Invitae), Labcorp); PubMed 30012837 (cited by University of Washington Center for Mendelian Genomics, University of Washington).

NM_144573.4(NEXN):c.1453G>A (p.Glu485Lys)

Gene: NEXN (nexilin F-actin binding protein; plus strand). Cytogenetic location: 1p31.1.
Variant type: single nucleotide variant.
Coding change: c.1453G>A on transcript NM_144573.4 (MANE Select); coding-DNA position 1453, G replaced by A.
Protein change: p.Glu485Lys; replaces glutamic acid 485 with lysine.
Molecular consequence: missense variant.
Genome position (GRCh38, 1-based): chr1:77,936,024, G>A. VCF-style: chr1-77936024-G-A. GRCh37 (hg19) VCF-style: chr1-78401709-G-A.
Other names: c.1261G>A, p.Glu421Lys (NM_001172309.2); short protein forms E485K, E421K.
Identifiers: ClinVar variation 47891 (VCV000047891.66), dbSNP rs368812830, ClinGen allele CA142116.